The following is an entry in ClinVar:

ClinVar aggregate classification (germline): Uncertain significance (1 of 4 stars; one submission).

Submission:

Labcorp Genetics (formerly Invitae), Labcorp
Classification: Uncertain significance. Last evaluated: 2021-07-15. Review status: criteria provided, single submitter. Criteria: Invitae Variant Classification Sherloc (09022015). Collection method: clinical testing. Allele origin: germline.
Comment: This variant has not been reported in the literature in individuals affected with PLAA-related conditions. This variant results in a copy number gain of the genomic region encompassing exon(s) 2-14 of the PLAA gene. The 5' boundary is likely confined to intron 1. The 3' end of this event is unknown as it extends beyond the assayed region for this gene and therefore may encompass additional genes. As the precise location of this event is unknown, it may be in tandem or it may be located elsewhere in the genome. In summary, the available evidence is currently insufficient to determine the role of this variant in disease. Therefore, it has been classified as a Variant of Uncertain Significance.

NC_000009.11:g.(?_26905509)_(26935224_?)dup

Gene: PLAA (phospholipase A2 activating protein; minus strand). Cytogenetic location: 9p21.2.
Variant type: Duplication.
Identifiers: ClinVar variation 1511166 (VCV001511166.4).